The following is an entry in ClinVar:

NM_000540.3(RYR1):c.14290G>A (p.Gly4764Arg)

Gene: RYR1 (ryanodine receptor 1; plus strand). Cytogenetic location: 19q13.2.
Variant type: single nucleotide variant.
Coding change: c.14290G>A on transcript NM_000540.3 (MANE Select); coding-DNA position 14290, G replaced by A.
Protein change: p.Gly4764Arg; replaces glycine 4764 with arginine.
Molecular consequence: missense variant.
Genome position (GRCh38, 1-based): chr19:38,578,035, G>A. VCF-style: chr19-38578035-G-A. GRCh37 (hg19) VCF-style: chr19-39068675-G-A.
Other names: c.14275G>A, p.Gly4759Arg (NM_001042723.2); short protein forms G4759R, G4764R.
Identifiers: ClinVar variation 3072999 (VCV003072999.1), dbSNP rs758479076, ClinGen allele CA405684817.

ClinVar aggregate classification (germline): Uncertain significance (1 of 4 stars; one submission).

Conditions:
Malignant hyperthermia, susceptibility to, 1 (MHS1). Also called: Anesthesia related hyperthermia; Malignant hyperpyrexia; Fulminating hyperpyrexia; Pharmacogenic myopathy; RYR1-Related Malignant Hyperthermia Susceptibility; Malignant hyperthermia suceptibility 1. Identifiers: Orphanet 423, MedGen C2930980, MONDO:0007783, OMIM 145600.

Submission:

All of Us Research Program, National Institutes of Health
Classification: Uncertain significance for Malignant hyperthermia, susceptibility to, 1. Last evaluated: 2023-08-15. Review status: criteria provided, single submitter. Criteria: ACMG Guidelines, 2015. Collection method: clinical testing. Allele origin: germline. Inheritance: Autosomal dominant inheritance. Observed: 1 variant allele, 1 heterozygote.
Comment: This missense variant replaces glycine with arginine at codon 4764 of the RYR1 protein. Computational prediction is inconclusive regarding the impact of this variant on protein structure and function (internally defined REVEL score threshold 0.5 < inconclusive < 0.7, PMID: 27666373). To our knowledge, functional studies have not been reported for this variant. This variant has not been reported in individuals affected with RYR1-related disorders in the literature. This variant has not been identified in the general population by the Genome Aggregation Database (gnomAD). The available evidence is insufficient to determine the role of this variant in disease conclusively. Therefore, this variant is classified as a Variant of Uncertain Significance.

This study involves interpretation of variants in research participants for the purpose of population health screening. Participant phenotype was not available at the time of variant classification. Additional details can be found in publication PMID: 35346344, PMCID: PMC8962531